The following is an entry in ClinVar:

ClinVar aggregate classification (germline): Likely benign. Review status: criteria provided, multiple submitters, no conflicts (2 of 4 stars). 3 submissions from 3 submitters: Likely benign (3). Last evaluated 2026-08-01.

Allele frequency attached by ClinVar (database versions not stated): ExAC 0.00012; ESP Exome Variant Server 0.00015.
gnomAD v4.1: 160 of 1,612,440 alleles (0.0099%); highest among the groups gnomAD compares: African/African-American, 0.045%; no homozygotes.

Submissions (3):

CeGaT Center for Human Genetics Tuebingen
Classification: Likely benign. Last evaluated: 2026-08-01. Review status: criteria provided, single submitter. Criteria: CeGaT Center For Human Genetics Tuebingen Variant Classification Criteria Version 2. Collection method: clinical testing. Allele origin: germline. Affected: yes. Observed: 1 variant allele.
Comment: SLC9A3: BP4, BP7

Labcorp Genetics (formerly Invitae), Labcorp
Classification: Likely benign. Last evaluated: 2025-12-08. Review status: criteria provided, single submitter. Criteria: Invitae Variant Classification Sherloc (09022015). Collection method: clinical testing. Allele origin: germline.

Blueprint Genetics
Classification: Likely benign. Last evaluated: 2024-11-04. Review status: criteria provided, single submitter. Criteria: ACMG Guidelines, 2015. Collection method: clinical testing. Allele origin: germline.

NM_004174.4(SLC9A3):c.1245C>T (p.Arg415=)

Gene: SLC9A3 (solute carrier family 9 member A3). Cytogenetic location: 5p15.33.
Variant type: single nucleotide variant.
Coding change: c.1245C>T on transcript NM_004174.4 (MANE Select); coding-DNA position 1245, C replaced by T.
Protein change: p.Arg415=; no amino-acid change (arginine 415 retained).
Molecular consequence: synonymous variant.
Genome position (GRCh38, 1-based): chr5:482,659, G>A on the plus strand (C>T on the coding strand, the complement: SLC9A3 is on the minus strand). VCF-style: chr5-482659-G-A. GRCh37 (hg19) VCF-style: chr5-482774-G-A.
Other names: c.1245C>T, p.Arg415= (NM_001284351.3).
Identifiers: ClinVar variation 1596735 (VCV001596735.10), dbSNP rs143761751, ClinGen allele CA3176026.
Genomic context (GRCh38, chr5:482,659, plus strand): 5'-GTTCTTCTCCTTGACCTTGTCTCCATCCAGAAGCACCACCAGGGCAAAGGCCACGGCCCC[G>A]CGCAGGCCCCCGTAGGACAGGACCACCTGGTCAATGGGCTCCAGCTGCACCATGCGGTAG-3'
Protein context (NP_004165.2, residues 405-425): DQVVLSYGGL[Arg415=]GAVAFALVVL